The following is an entry in ClinVar:

ClinVar aggregate classification (germline): Uncertain significance. Review status: criteria provided, multiple submitters, no conflicts (2 of 4 stars). 3 submissions from 3 submitters: Uncertain significance (3). Last evaluated 2022-05-08.

Conditions:
Autism, susceptibility to, 15. Also called: Autism susceptibility 15. Identifiers: MedGen C2677504, MONDO:0012801, OMIM 612100.
Cortical dysplasia-focal epilepsy syndrome (PTHSL1). Also called: Pitt-Hopkins-like syndrome 1. Identifiers: Orphanet 163681, Orphanet 221150, MedGen C2750246, MONDO:0012400, OMIM 610042.

Allele frequency attached by ClinVar (database versions not stated): TOPMed 0.00002; gnomAD 0.00003; gnomAD exomes 0.00011; ExAC 0.00017.

Submissions (3):

Labcorp Genetics (formerly Invitae), Labcorp
Classification: Uncertain significance for Cortical dysplasia-focal epilepsy syndrome. Last evaluated: 2022-05-08. Review status: criteria provided, single submitter. Criteria: Invitae Variant Classification Sherloc (09022015). Collection method: clinical testing. Allele origin: germline.
Comment: This sequence change replaces aspartic acid, which is acidic and polar, with glycine, which is neutral and non-polar, at codon 446 of the CNTNAP2 protein (p.Asp446Gly). This variant is present in population databases (rs753860243, gnomAD 0.02%). This variant has not been reported in the literature in individuals affected with CNTNAP2-related conditions. ClinVar contains an entry for this variant (Variation ID: 205240). Algorithms developed to predict the effect of missense changes on protein structure and function are either unavailable or do not agree on the potential impact of this missense change (SIFT: "Deleterious"; PolyPhen-2: "Possibly Damaging"; Align-GVGD: "Class C0"). Algorithms developed to predict the effect of sequence changes on RNA splicing suggest that this variant may create or strengthen a splice site. In summary, the available evidence is currently insufficient to determine the role of this variant in disease. Therefore, it has been classified as a Variant of Uncertain Significance.

Fulgent Genetics
Classification: Uncertain significance for Cortical dysplasia-focal epilepsy syndrome; Autism, susceptibility to, 15. Last evaluated: 2022-04-15. Review status: criteria provided, single submitter. Criteria: ACMG Guidelines, 2015. Collection method: clinical testing. Allele origin: unknown.

GeneDx
Classification: Uncertain significance. Last evaluated: 2021-02-19. Review status: criteria provided, single submitter. Criteria: GeneDx Variant Classification Process June 2021. Collection method: clinical testing. Allele origin: germline. Affected: yes.
Comment: In silico analysis supports that this missense variant has a deleterious effect on protein structure/function; Has not been previously published as pathogenic or benign to our knowledge

NM_014141.6(CNTNAP2):c.1337A>G (p.Asp446Gly)

Gene: CNTNAP2 (contactin associated protein 2; plus strand). Cytogenetic location: 7q35.
Variant type: single nucleotide variant.
Coding change: c.1337A>G on transcript NM_014141.6 (MANE Select); coding-DNA position 1337, A replaced by G.
Protein change: p.Asp446Gly; replaces aspartic acid 446 with glycine.
Molecular consequence: missense variant.
Genome position (GRCh38, 1-based): chr7:147,132,498, A>G. VCF-style: chr7-147132498-A-G. GRCh37 (hg19) VCF-style: chr7-146829590-A-G.
Other names: p.D446G:GAT>GGT; short protein forms D446G.
Identifiers: ClinVar variation 205240 (VCV000205240.7), dbSNP rs753860243, ClinGen allele CA314114.